The following is an entry in ClinVar:

ClinVar aggregate classification (germline): Uncertain significance (1 of 4 stars; one submission).

Conditions:
RASopathy. Also called: Noonan spectrum disorder; rasopathies. Identifiers: Orphanet 536391, MedGen C5555857, MONDO:0021060.

gnomAD v4.1: 3 of 1,536,928 alleles (0.0002%); highest among the groups gnomAD compares: Non-Finnish European, 0.00027%; no homozygotes.

Submission:

Labcorp Genetics (formerly Invitae), Labcorp
Classification: Uncertain significance for RASopathy. Last evaluated: 2024-09-09. Review status: criteria provided, single submitter. Criteria: Invitae Variant Classification Sherloc (09022015). Collection method: clinical testing. Allele origin: germline.
Comment: This sequence change replaces isoleucine, which is neutral and non-polar, with threonine, which is neutral and polar, at codon 513 of the SHOC2 protein (p.Ile513Thr). This variant is not present in population databases (gnomAD no frequency). This variant has not been reported in the literature in individuals affected with SHOC2-related conditions. An algorithm developed to predict the effect of missense changes on protein structure and function (PolyPhen-2) suggests that this variant is likely to be disruptive. In summary, the available evidence is currently insufficient to determine the role of this variant in disease. Therefore, it has been classified as a Variant of Uncertain Significance.

NM_007373.4(SHOC2):c.1538T>C (p.Ile513Thr)

Gene: SHOC2 (SHOC2 leucine rich repeat scaffold protein; plus strand). Cytogenetic location: 10q25.2.
Variant type: single nucleotide variant.
Coding change: c.1538T>C on transcript NM_007373.4 (MANE Select); coding-DNA position 1538, T replaced by C.
Protein change: p.Ile513Thr; replaces isoleucine 513 with threonine.
Molecular consequence: missense variant. On other transcripts: non-coding transcript variant (1).
Genome position (GRCh38, 1-based): chr10:111,009,828, T>C. VCF-style: chr10-111009828-T-C. GRCh37 (hg19) VCF-style: chr10-112769586-T-C.
Other names: c.1400T>C, p.Ile467Thr (NM_001269039.3); c.1538T>C, p.Ile513Thr (NM_001324336.2, NM_001324337.2); short protein forms I467T, I513T.
Identifiers: ClinVar variation 3637830 (VCV003637830.2).